The following is an entry in ClinVar:

NM_006401.3(ANP32B):c.189G>A (p.Leu63=)

Gene: ANP32B (acidic nuclear phosphoprotein 32 family member B; plus strand). Cytogenetic location: 9q22.33.
Variant type: single nucleotide variant.
Coding change: c.189G>A on transcript NM_006401.3 (MANE Select); coding-DNA position 189, G replaced by A.
Protein change: p.Leu63=; no amino-acid change (leucine 63 retained).
Molecular consequence: synonymous variant.
Genome position (GRCh38, 1-based): chr9:97,994,765, G>A. VCF-style: chr9-97994765-G-A. GRCh37 (hg19) VCF-style: chr9-100757047-G-A.
Identifiers: ClinVar variation 2659343 (VCV002659343.24), dbSNP rs921804556, ClinGen allele CA196750757.

ClinVar aggregate classification (germline): Likely benign (1 of 4 stars; one submission).

Allele frequency attached by ClinVar (database versions not stated): TOPMed below 0.00001; gnomAD 0.00001.

Submission:

CeGaT Center for Human Genetics Tuebingen
Classification: Likely benign. Last evaluated: 2023-01-01. Review status: criteria provided, single submitter. Criteria: CeGaT Center For Human Genetics Tuebingen Variant Classification Criteria Version 2. Collection method: clinical testing. Allele origin: germline. Affected: yes. Observed: 1 variant allele.
Comment: ANP32B: BP4, BP7